The following is an entry in ClinVar:

NM_001127222.2(CACNA1A):c.4843A>G (p.Lys1615Glu)

Gene: CACNA1A (calcium voltage-gated channel subunit alpha1 A; minus strand). Cytogenetic location: 19p13.13.
Variant type: single nucleotide variant.
Coding change: c.4843A>G on transcript NM_001127222.2 (MANE Select); coding-DNA position 4843, A replaced by G.
Protein change: p.Lys1615Glu; replaces lysine 1615 with glutamic acid.
Molecular consequence: missense variant.
Genome position (GRCh38, 1-based): chr19:13,253,014, T>C on the plus strand (A>G on the coding strand, the complement: CACNA1A is on the minus strand). VCF-style: chr19-13253014-T-C. GRCh37 (hg19) VCF-style: chr19-13363828-T-C.
Other names: c.4855A>G, p.Lys1619Glu (NM_000068.4, NM_023035.3); c.4846A>G, p.Lys1616Glu (NM_001127221.2, NM_001174080.2); short protein forms K1616E, K1615E, K1619E.
Identifiers: ClinVar variation 947965 (VCV000947965.10), dbSNP rs2056443467, ClinGen allele CA404338108.

ClinVar aggregate classification (germline): Uncertain significance (1 of 4 stars; one submission).

Conditions:
Developmental and epileptic encephalopathy, 42 (DEE42A). Also called: DEVELOPMENTAL AND EPILEPTIC ENCEPHALOPATHY 42A; EPILEPTIC ENCEPHALOPATHY, EARLY INFANTILE, 42A; Epileptic encephalopathy, early infantile, 42. Identifiers: MedGen C4310716, MONDO:0014917, OMIM 617106.
Episodic ataxia type 2 (EA2). Also called: ATAXIA, EPISODIC, WITH NYSTAGMUS; ATAXIA, FAMILIAL PAROXYSMAL; CEREBELLAR ATAXIA, PAROXYSMAL, ACETAZOLAMIDE-RESPONSIVE; ACETAZOLAMIDE-RESPONSIVE HEREDITARY PAROXYSMAL CEREBELLAR ATAXIA; CEREBELLOPATHY, HEREDITARY PAROXYSMAL; EPISODIC ATAXIA, NYSTAGMUS-ASSOCIATED. Identifiers: Orphanet 97, MedGen C1720416, MONDO:0007163, OMIM 108500.

Allele frequency attached by ClinVar (database versions not stated): gnomAD exomes below 0.00001.
gnomAD v4.1: 2 of 1,613,248 alleles (0.00012%); highest among the groups gnomAD compares: Non-Finnish European, 0.00017%; no homozygotes.

Submission:

Labcorp Genetics (formerly Invitae), Labcorp
Classification: Uncertain significance for Developmental and epileptic encephalopathy, 42; Episodic ataxia type 2. Last evaluated: 2020-07-29. Review status: criteria provided, single submitter. Criteria: Invitae Variant Classification Sherloc (09022015). Collection method: clinical testing. Allele origin: germline.
Comment: In summary, the available evidence is currently insufficient to determine the role of this variant in disease. Therefore, it has been classified as a Variant of Uncertain Significance. Algorithms developed to predict the effect of missense changes on protein structure and function (SIFT, PolyPhen-2, Align-GVGD) all suggest that this variant is likely to be disruptive, but these predictions have not been confirmed by published functional studies and their clinical significance is uncertain. This variant has not been reported in the literature in individuals with CACNA1A-related conditions. This variant is not present in population databases (ExAC no frequency). This sequence change replaces lysine with glutamic acid at codon 1616 of the CACNA1A protein (p.Lys1616Glu). The lysine residue is highly conserved and there is a small physicochemical difference between lysine and glutamic acid.